The following is an entry in ClinVar:

ClinVar aggregate classification (germline): Uncertain significance (1 of 4 stars; one submission).

Conditions:
Polycystic kidney disease, adult type (PKD1). Also called: POLYCYSTIC KIDNEY DISEASE, ADULT, TYPE I; Polycystic Kidney Disease 1, Autosomal Dominant; Polycystic kidney disease 1; Polycystic kidney disease 1, severe; Polycystic Kidney, Autosomal Dominant; POLYCYSTIC KIDNEY DISEASE 1 WITH OR WITHOUT POLYCYSTIC LIVER DISEASE. Identifiers: MedGen C3149841, MONDO:0008263, OMIM 173900.

Submission:

Juno Genomics, Hangzhou Juno Genomics, Inc
Classification: Uncertain significance for Polycystic kidney disease, adult type. Review status: criteria provided, single submitter. Criteria: ACMG Guidelines, 2015. Collection method: clinical testing. Allele origin: germline. Affected: yes.
Comment: Absent from controls (or at extremely low frequency if recessive) in Genome Aggregation Database, Exome Sequencing Project, 1000 Genomes Project, or Exome Aggregation Consortium.;Protein length changes due to in-frame deletions/insertions in a non-repeat region or stop-loss variants.;Patient's phenotype or family history is highly specific for a disease with a single genetic etiology.

NM_001009944.3(PKD1):c.2180_2182del (p.Leu727del)

Gene: PKD1 (polycystin 1, transient receptor potential channel interacting; minus strand). Cytogenetic location: 16p13.3.
Variant type: Deletion.
Coding change: c.2180_2182del on transcript NM_001009944.3 (MANE Select); coding-DNA positions 2180 to 2182, 3 bases deleted (TGC; older notation c.2180_2182delTGC).
Protein change: p.Leu727del; deletes leucine 727.
Molecular consequence: inframe deletion.
Genome position (GRCh38, 1-based): chr16:2,114,841-2,114,843, GCA deleted on the plus strand (TGC on the coding strand, the reverse complement: PKD1 is on the minus strand); deleting any 3 consecutive bases within chr16:2,114,841-2,114,844 gives the same sequence; the c. name uses the placement nearest the transcript's 3' end. VCF-style (leftmost placement, unchanged base first): chr16-2114840-TGCA-T. GRCh37 (hg19) VCF-style: chr16-2164841-TGCA-T.
Other names: c.2180_2182del, p.Leu727del (NM_000296.4); short protein forms L727del.
Identifiers: ClinVar variation 3382848 (VCV003382848.2).